The following is an entry in ClinVar:

ClinVar aggregate classification (germline): Uncertain significance. Review status: criteria provided, multiple submitters, no conflicts (2 of 4 stars). 2 submissions from 2 submitters: Uncertain significance (2). Last evaluated 2025-07-08.

Conditions:
SPTAN1-related disorder. Also called: SPTAN1-related disorders; SPTAN1-related condition.
Early-infantile DEE. Also called: Early infantile epileptic encephalopathy; Ohtahara syndrome; Early infantile epileptic encephalopathy with suppression bursts. Identifiers: Orphanet 1934, MedGen C0393706, MONDO:0800491.

Submissions (2):

PreventionGenetics, part of Exact Sciences
Classification: Uncertain significance for SPTAN1-related condition. Last evaluated: 2025-07-08. Review status: criteria provided, single submitter. Criteria: ACMG Guidelines, 2015. Collection method: clinical testing. Allele origin: germline.
Comment: The SPTAN1 c.1142A>G variant is predicted to result in the amino acid substitution p.Lys381Arg. To our knowledge, this variant has not been reported in the literature or in a large population database (gnomAD), indicating this variant is rare. At this time, the clinical significance of this variant is uncertain due to the absence of conclusive functional and genetic evidence.

Labcorp Genetics (formerly Invitae), Labcorp
Classification: Uncertain significance for Early-infantile DEE. Last evaluated: 2023-08-04. Review status: criteria provided, single submitter. Criteria: Invitae Variant Classification Sherloc (09022015). Collection method: clinical testing. Allele origin: germline.
Comment: This sequence change replaces lysine, which is basic and polar, with arginine, which is basic and polar, at codon 381 of the SPTAN1 protein (p.Lys381Arg). This variant is not present in population databases (gnomAD no frequency). This variant has not been reported in the literature in individuals affected with SPTAN1-related conditions. ClinVar contains an entry for this variant (Variation ID: 1424803). Advanced modeling of protein sequence and biophysical properties (such as structural, functional, and spatial information, amino acid conservation, physicochemical variation, residue mobility, and thermodynamic stability) has been performed at Invitae for this missense variant, however the output from this modeling did not meet the statistical confidence thresholds required to predict the impact of this variant on SPTAN1 protein function. In summary, the available evidence is currently insufficient to determine the role of this variant in disease. Therefore, it has been classified as a Variant of Uncertain Significance.

NM_001130438.3(SPTAN1):c.1142A>G (p.Lys381Arg)

Gene: SPTAN1 (spectrin alpha, non-erythrocytic 1; plus strand). Cytogenetic location: 9q34.11.
Variant type: single nucleotide variant.
Coding change: c.1142A>G on transcript NM_001130438.3 (MANE Select); coding-DNA position 1142, A replaced by G.
Protein change: p.Lys381Arg; replaces lysine 381 with arginine.
Molecular consequence: missense variant.
Genome position (GRCh38, 1-based): chr9:128,578,166, A>G. VCF-style: chr9-128578166-A-G. GRCh37 (hg19) VCF-style: chr9-131340445-A-G.
Other names: c.1142A>G, p.Lys381Arg (NM_001195532.2, NM_001363759.2, NM_001363765.2 and 5 more transcripts); c.1178A>G, p.Lys393Arg (NM_001375312.2, NM_001375318.1); c.1142A>G (NM_001130438.2); short protein forms K381R, K393R.
Identifiers: ClinVar variation 1424803 (VCV001424803.10), dbSNP rs2131029556, ClinGen allele CA375051653.